The following is an entry in ClinVar:

NM_014956.5(CEP164):c.212A>T (p.Asp71Val)

Gene: CEP164 (centrosomal protein 164; plus strand). Cytogenetic location: 11q23.3.
Variant type: single nucleotide variant.
Coding change: c.212A>T on transcript NM_014956.5 (MANE Select); coding-DNA position 212, A replaced by T.
Protein change: p.Asp71Val; replaces aspartic acid 71 with valine.
Molecular consequence: missense variant.
Genome position (GRCh38, 1-based): chr11:117,351,807, A>T. VCF-style: chr11-117351807-A-T. GRCh37 (hg19) VCF-style: chr11-117222523-A-T.
Other names: c.212A>T, p.Asp71Val (NM_001271933.2); short protein forms D71V.
Identifiers: ClinVar variation 1308031 (VCV001308031.2), dbSNP rs2135443083, ClinGen allele CA382725465.

ClinVar aggregate classification (germline): Uncertain significance (1 of 4 stars; one submission).

Submission:

GeneDx
Classification: Uncertain significance. Last evaluated: 2019-08-21. Review status: criteria provided, single submitter. Criteria: GeneDx Variant Classification Process June 2021. Collection method: clinical testing. Allele origin: germline. Affected: yes.
Comment: Not observed in large population cohorts (Lek et al., 2016); In silico analysis, which includes protein predictors and evolutionary conservation, supports a deleterious effect; Has not been previously published as pathogenic or benign to our knowledge